The following is an entry in ClinVar:

NM_001042492.3(NF1):c.5305C>G (p.Arg1769Gly)

Gene: NF1 (neurofibromin 1; plus strand). Cytogenetic location: 17q11.2.
Variant type: single nucleotide variant.
Coding change: c.5305C>G on transcript NM_001042492.3 (MANE Select); coding-DNA position 5305, C replaced by G.
Protein change: p.Arg1769Gly; replaces arginine 1769 with glycine.
Molecular consequence: missense variant.
Genome position (GRCh38, 1-based): chr17:31,327,535, C>G. VCF-style: chr17-31327535-C-G. GRCh37 (hg19) VCF-style: chr17-29654553-C-G.
Other names: c.5242C>G, p.Arg1748Gly (NM_000267.4); short protein forms R1769G, R1748G.
Identifiers: ClinVar variation 2853579 (VCV002853579.5), dbSNP rs876657714, ClinGen allele CA399009046.

ClinVar aggregate classification (germline): Uncertain significance. Review status: criteria provided, multiple submitters, no conflicts (2 of 4 stars). 2 submissions from 2 submitters: Uncertain significance (2). Last evaluated 2025-12-01.

Conditions:
Neurofibromatosis, type 1 (NF1). Also called: VON RECKLINGHAUSEN DISEASE; NEUROFIBROMATOSIS, TYPE I, SOMATIC; Peripheral type neurofibromatosis; Neurofibromatosis, type I. Identifiers: Orphanet 636, MedGen C0027831, MONDO:0018975, OMIM 162200. Disease mechanism: loss of function.

Submissions (2):

Dasa
Classification: Uncertain significance. Last evaluated: 2025-12-01. Review status: criteria provided, single submitter. Criteria: DASA Assertion Criteria. Collection method: clinical testing. Allele origin: germline.
Comment: NM_001042492.3(NF1):c.5305C>G (p.Arg1769Gly) is a missense variant that results in the substitution of arginine with glycine. This variant is absent from population databases. Computational prediction algorithms are consistent with a deleterious effect. The currently available literature and clinical evidence are not sufficient to establish a definitive association between this variant and the reported condition. Therefore, this variant is classified as a variant of uncertain significance.

Labcorp Genetics (formerly Invitae), Labcorp
Classification: Uncertain significance for Neurofibromatosis, type 1. Last evaluated: 2023-04-08. Review status: criteria provided, single submitter. Criteria: Invitae Variant Classification Sherloc (09022015). Collection method: clinical testing. Allele origin: germline.
Comment: This sequence change replaces arginine, which is basic and polar, with glycine, which is neutral and non-polar, at codon 1748 of the NF1 protein (p.Arg1748Gly). This variant is not present in population databases (gnomAD no frequency). In summary, the available evidence is currently insufficient to determine the role of this variant in disease. Therefore, it has been classified as a Variant of Uncertain Significance. This variant has not been reported in the literature in individuals affected with NF1-related conditions. Advanced modeling of protein sequence and biophysical properties (such as structural, functional, and spatial information, amino acid conservation, physicochemical variation, residue mobility, and thermodynamic stability) performed at Invitae indicates that this missense variant is expected to disrupt NF1 protein function.